The following is an entry in ClinVar:

ClinVar aggregate classification (germline): Pathogenic/Likely pathogenic. Review status: criteria provided, multiple submitters, no conflicts (2 of 4 stars). 3 submissions from 3 submitters: Pathogenic (2); Likely pathogenic (1). Last evaluated 2024-02-08.

Conditions:
Familial adenomatous polyposis 1 (FAP1). Also called: FAMILIAL ADENOMATOUS POLYPOSIS 1, ATTENUATED; POLYPOSIS, ADENOMATOUS INTESTINAL. Identifiers: MedGen C2713442, MONDO:0021056, OMIM 175100. Disease mechanism: loss of function.

Submissions (3):

Labcorp Genetics (formerly Invitae), Labcorp
Classification: Pathogenic for Familial adenomatous polyposis 1. Last evaluated: 2024-02-08. Review status: criteria provided, single submitter. Criteria: Invitae Variant Classification Sherloc (09022015). Collection method: clinical testing. Allele origin: germline.
Comment: This sequence change creates a premature translational stop signal (p.Ala2004Glyfs*7) in the APC gene. While this is not anticipated to result in nonsense mediated decay, it is expected to disrupt the last 840 amino acid(s) of the APC protein. This variant is not present in population databases (gnomAD no frequency). This variant has not been reported in the literature in individuals affected with APC-related conditions. ClinVar contains an entry for this variant (Variation ID: 246370). This variant is expected to disrupt the EB1 and HDLG binding sites, which mediate interactions with the cytoskeleton (PMID: 15311282, 17293347). While functional studies have not been performed to directly test the effect on APC protein function, this suggests that disruption of the C-terminal portion of the protein is functionally important. This variant disrupts a region of the APC protein in which other variant(s) (p.Tyr2645Lysfs*14) have been determined to be pathogenic (PMID: 1316610, 8381579, 9824584, 22135120, 27081525; Invitae). This suggests that this is a clinically significant region of the protein, and that variants that disrupt it are likely to be disease-causing. For these reasons, this variant has been classified as Pathogenic.

Myriad Genetics, Inc.
Classification: Pathogenic for Familial adenomatous polyposis 1. Last evaluated: 2023-05-15. Review status: criteria provided, single submitter. Criteria: Myriad Autosomal Dominant, Autosomal Recessive and X-Linked Classification Criteria (2023). Collection method: clinical testing. Allele origin: unknown.
Comment: This variant is considered pathogenic. This variant creates a frameshift predicted to result in premature protein truncation.

GeneDx
Classification: Likely pathogenic. Last evaluated: 2016-02-01. Review status: criteria provided, single submitter. Criteria: GeneDx Variant Classification (06012015). Collection method: clinical testing. Allele origin: germline. Affected: yes.
Comment: This duplication of one nucleotide in APC is denoted c.6010dupG at the cDNA level and p.Ala2004GlyfsX7 (A2004GfsX7) at the protein level. The normal sequence, with the base that is duplicated in braces, is TCAA[G]CATC. The duplication causes a frameshift, which changes an Alanine to a Glycine at codon 2004, and creates a premature stop codon at position 7 of the new reading frame. Although this variant has not, to our knowledge, been reported in the literature, it is predicted to cause loss of normal protein function through either protein truncation or nonsense-mediated mRNA decay. Based on the currently available information, we consider this duplication to be a likely pathogenic variant.

Literature cited by the submitters: PubMed 15311282 (cited by Labcorp Genetics (formerly Invitae), Labcorp); PubMed 17293347 (cited by Labcorp Genetics (formerly Invitae), Labcorp); PubMed 1316610 (cited by Labcorp Genetics (formerly Invitae), Labcorp); PubMed 8381579 (cited by Labcorp Genetics (formerly Invitae), Labcorp); PubMed 9824584 (cited by Labcorp Genetics (formerly Invitae), Labcorp); PubMed 22135120 (cited by Labcorp Genetics (formerly Invitae), Labcorp); PubMed 27081525 (cited by Labcorp Genetics (formerly Invitae), Labcorp).

NM_000038.6(APC):c.6010dup (p.Ala2004fs)

Gene: APC (APC regulator of Wnt signaling pathway; plus strand). Cytogenetic location: 5q22.2.
Variant type: Duplication.
Coding change: c.6010dup on transcript NM_000038.6 (MANE Select); coding-DNA position 6010, one base duplicated (G; older notation c.6010dupG).
Protein change: p.Ala2004fs; shifts the reading frame from alanine 2004.
Molecular consequence: frameshift variant.
Genome position (GRCh38, 1-based): chr5:112,841,604, G duplicated. VCF-style (leftmost placement, unchanged base first): chr5-112841603-A-AG. GRCh37 (hg19) VCF-style: chr5-112177300-A-AG.
Other names: c.6010dup, p.Ala2004fs (NM_001127510.3, NM_001354895.2); c.5956dup, p.Ala1986fs (NM_001127511.3); c.6064dup, p.Ala2022fs (NM_001354896.2); c.6040dup, p.Ala2014fs (NM_001354897.2); c.5935dup, p.Ala1979fs (NM_001354898.2); c.5926dup, p.Ala1976fs (NM_001354899.2); c.5887dup, p.Ala1963fs (NM_001354900.2); c.5833dup, p.Ala1945fs (NM_001354901.2); and 6 more; short protein forms A1721fs, A1976fs, A1903fs, A1963fs, A1979fs, A2004fs, A1844fs, A1878fs.
Identifiers: ClinVar variation 246370 (VCV000246370.8), dbSNP rs879254226, ClinGen allele CA10584259.
Genomic context (GRCh38, chr5:112,841,603, plus strand): 5'-AAATGAACCTATCAAAGAGACTGAGCCCCCTGACTCACAGGGAGAACCAAGTAAACCTCA[A>AG]GCATCAGGCTATGCTCCTAAATCATTTCATGTTGAAGATACCCCAGTTTGTTTCTCAAGA-3'